The following is an entry in ClinVar:

NM_025114.4(CEP290):c.549C>T (p.Tyr183=)

Gene: CEP290 (centrosomal protein 290; minus strand). Cytogenetic location: 12q21.32.
Variant type: single nucleotide variant.
Coding change: c.549C>T on transcript NM_025114.4 (MANE Select); coding-DNA position 549, C replaced by T.
Protein change: p.Tyr183=; no amino-acid change (tyrosine 183 retained).
Molecular consequence: synonymous variant.
Genome position (GRCh38, 1-based): chr12:88,130,388, G>A on the plus strand (C>T on the coding strand, the complement: CEP290 is on the minus strand). VCF-style: chr12-88130388-G-A. GRCh37 (hg19) VCF-style: chr12-88524165-G-A.
Other names: c.549C>T (NM_025114.3).
Identifiers: ClinVar variation 1078528 (VCV001078528.13), dbSNP rs781004914, ClinGen allele CA6712740.

ClinVar aggregate classification (germline): Likely benign. Review status: criteria provided, multiple submitters, no conflicts (2 of 4 stars). 4 submissions from 4 submitters: Likely benign (3). 1 of the submissions does not count toward it. Last evaluated 2024-10-12.

Conditions:
Leber congenital amaurosis 10 (LCA10). Identifiers: Orphanet 65, MedGen C1857821, MONDO:0012723, OMIM 611755.
Meckel syndrome, type 4 (MKS4). Also called: MECKEL-GRUBER SYNDROME, TYPE 4. Identifiers: Orphanet 564, MedGen C1970161, MONDO:0012626, OMIM 611134.
Senior-Loken syndrome 6 (SLSN6). Identifiers: Orphanet 3156, MedGen C1857779, MONDO:0012433, OMIM 610189.
Joubert syndrome 5 (JBTS5). Identifiers: Orphanet 2318, MedGen C1857780, MONDO:0012432, OMIM 610188.
Bardet-Biedl syndrome 14 (BBS14). Identifiers: Orphanet 110, MedGen C2673874, MONDO:0014442, OMIM 615991.
CEP290-related disorder. Also called: CEP290-related condition; CEP290-related disorders. Identifiers: MedGen CN239314.
Nephronophthisis. Also called: Juvenile Nephronophthisis. Identifiers: MedGen C0687120, MONDO:0019005, HP:0000090, Orphanet 655.
Joubert syndrome. Also called: JOUBERT-BOLTSHAUSER SYNDROME; Familial aplasia of the vermis. Identifiers: Orphanet 475, MedGen C5979921, MONDO:0018772.
Meckel-Gruber syndrome. Also called: DYSENCEPHALIA SPLANCHNOCYSTICA; GRUBER SYNDROME; Dysencephalia splachnocystica. Identifiers: Orphanet 564, MedGen C0265215, MONDO:0018921.

Allele frequency attached by ClinVar (database versions not stated): gnomAD exomes below 0.00001 and 0.00001; ExAC 0.00001; gnomAD 0.00002; TOPMed 0.00002.
gnomAD v4.1: 6 of 1,608,618 alleles (0.00037%); highest among the groups gnomAD compares: Admixed American, 0.0068%; no homozygotes.

Submissions (4):

Labcorp Genetics (formerly Invitae), Labcorp
Classification: Likely benign for Joubert syndrome; Meckel-Gruber syndrome; Nephronophthisis. Last evaluated: 2024-10-12. Review status: criteria provided, single submitter. Criteria: Invitae Variant Classification Sherloc (09022015). Collection method: clinical testing. Allele origin: germline.

Blueprint Genetics
Classification: Likely benign. Last evaluated: 2023-04-17. Review status: criteria provided, single submitter. Criteria: ACMG Guidelines, 2015. Collection method: clinical testing. Allele origin: germline.

Fulgent Genetics
Classification: Likely benign for Joubert syndrome 5; Senior-Loken syndrome 6; Meckel syndrome, type 4; Leber congenital amaurosis 10; Bardet-Biedl syndrome 14. Last evaluated: 2021-08-30. Review status: criteria provided, single submitter. Criteria: ACMG Guidelines, 2015. Collection method: clinical testing. Allele origin: unknown.

PreventionGenetics, part of Exact Sciences
Classification: Likely benign for CEP290-related condition. Last evaluated: 2023-07-17. Review status: no assertion criteria provided. Collection method: clinical testing. Allele origin: germline. Not counted in ClinVar's aggregate classification.
Comment: This variant is classified as likely benign based on ACMG/AMP sequence variant interpretation guidelines (Richards et al. 2015 PMID: 25741868, with internal and published modifications).